The following is an entry in ClinVar:

NM_024407.5(NDUFS7):c.54-20C>T

Gene: NDUFS7 (NADH:ubiquinone oxidoreductase core subunit S7; plus strand). Cytogenetic location: 19p13.3.
Variant type: single nucleotide variant.
Coding change: c.54-20C>T on transcript NM_024407.5 (MANE Select); 20 bases into the intron before coding-DNA position 54, C replaced by T.
Molecular consequence: intron variant.
Genome position (GRCh38, 1-based): chr19:1,388,505, C>T. VCF-style: chr19-1388505-C-T. GRCh37 (hg19) VCF-style: chr19-1388504-C-T.
Other names: c.54-20C>T (NM_001363602.2).
Identifiers: ClinVar variation 383277 (VCV000383277.8), dbSNP rs200121063, ClinGen allele CA9043049.

ClinVar aggregate classification (germline): Likely benign. Review status: criteria provided, multiple submitters, no conflicts (2 of 4 stars). 2 submissions from 2 submitters: Likely benign (2). Last evaluated 2025-03-03.

Allele frequency attached by ClinVar (database versions not stated): TOPMed 0.00012.
gnomAD v4.1: 24 of 1,609,820 alleles (0.0015%); highest among the groups gnomAD compares: African/African-American, 0.016%; no homozygotes.

Submissions (2):

Labcorp Genetics (formerly Invitae), Labcorp
Classification: Likely benign. Last evaluated: 2025-03-03. Review status: criteria provided, single submitter. Criteria: Invitae Variant Classification Sherloc (09022015). Collection method: clinical testing. Allele origin: germline.

GeneDx
Classification: Likely benign. Last evaluated: 2016-02-17. Review status: criteria provided, single submitter. Criteria: GeneDx Variant Classification (06012015). Collection method: clinical testing. Allele origin: germline. Affected: yes.
Comment: This variant is considered likely benign or benign based on one or more of the following criteria: it is a conservative change, it occurs at a poorly conserved position in the protein, it is predicted to be benign by multiple in silico algorithms, and/or has population frequency not consistent with disease.